The following is an entry in ClinVar:

ClinVar aggregate classification (germline): Pathogenic/Likely pathogenic. Review status: criteria provided, multiple submitters, no conflicts (2 of 4 stars). 5 submissions from 5 submitters: Pathogenic (1); Likely pathogenic (3). 1 of the submissions does not count toward it. Last evaluated 2025-03-10.

Conditions:
Fanconi anemia (FA). Also called: Fanconi's anemia. Identifiers: Orphanet 84, MedGen C0015625, MeSH D005199, MONDO:0019391.
Fanconi anemia complementation group C (FANCC). Also called: FANCONI PANCYTOPENIA, TYPE 3; FACC; Fanconi anemia, group C; FANCC-Related Fanconi Anemia. Identifiers: Orphanet 84, MedGen C3468041, MONDO:0009213, OMIM 227645.

Submissions (5):

Natera, Inc.
Classification: Likely pathogenic for Fanconi anemia. Last evaluated: 2025-03-10. Review status: criteria provided, single submitter. Criteria: Natera Variant Classification Schema (03/2026). Collection method: clinical testing. Allele origin: germline.
Comment: The c.267del variant in FANCC is a frameshift variant predicted to shift the reading frame and introduce a stop codon. This variant is expected to result in nonsense mediated decay, truncation, or a dysfunctional protein product. This variant is rare in the general population with a frequency below the threshold expected for the associated phenotype(s). Given the available evidence, this variant is classified as Likely Pathogenic.

Fulgent Genetics
Classification: Likely pathogenic for Fanconi anemia complementation group C. Last evaluated: 2024-04-09. Review status: criteria provided, single submitter. Criteria: ACMG Guidelines, 2015. Collection method: clinical testing. Allele origin: germline.

Baylor Genetics
Classification: Likely pathogenic for Fanconi anemia complementation group C. Last evaluated: 2023-09-16. Review status: criteria provided, single submitter. Criteria: ACMG Guidelines, 2015. Collection method: clinical testing. Allele origin: unknown.

Labcorp Genetics (formerly Invitae), Labcorp
Classification: Pathogenic for Fanconi anemia. Last evaluated: 2023-07-29. Review status: criteria provided, single submitter. Criteria: Invitae Variant Classification Sherloc (09022015). Collection method: clinical testing. Allele origin: germline.
Comment: This variant is present in population databases (rs777918411, gnomAD 0.003%). This variant has not been reported in the literature in individuals affected with FANCC-related conditions. ClinVar contains an entry for this variant (Variation ID: 551191). For these reasons, this variant has been classified as Pathogenic. This sequence change creates a premature translational stop signal (p.Leu90*) in the FANCC gene. It is expected to result in an absent or disrupted protein product. Loss-of-function variants in FANCC are known to be pathogenic (PMID: 17924555).

Counsyl
Classification: Likely pathogenic for Fanconi anemia complementation group C. Last evaluated: 2017-03-24. Review status: no assertion criteria provided. Collection method: clinical testing. Allele origin: unknown. Not counted in ClinVar's aggregate classification.

Literature cited by the submitters: PubMed 17924555 (cited by Labcorp Genetics (formerly Invitae), Labcorp).

NM_000136.3(FANCC):c.267del (p.Ile89_Leu90insTer)

Gene: FANCC (FA complementation group C; minus strand). Cytogenetic location: 9q22.32.
Variant type: Deletion.
Coding change: c.267del on transcript NM_000136.3 (MANE Select); coding-DNA position 267, one base deleted (T; older notation c.267delT).
Protein change: p.Ile89_Leu90insTer.
Molecular consequence: frameshift variant.
Genome position (GRCh38, 1-based): chr9:95,240,727, A deleted on the plus strand (T on the coding strand, the reverse complement: FANCC is on the minus strand); the first of 2 consecutive A bases (chr9:95,240,727-95,240,728); deleting either gives the same sequence. VCF-style (leftmost placement, unchanged base first): chr9-95240726-GA-G. GRCh37 (hg19) VCF-style: chr9-98003008-GA-G.
Other names: c.267del, p.Ile89_Leu90insTer (NM_001243743.2, NM_001243744.2); c.267del (NM_000136.2).
Identifiers: ClinVar variation 551191 (VCV000551191.9), dbSNP rs777918411, ClinGen allele CA5137786.
Genomic context (GRCh38, chr9:95,240,726, plus strand): 5'-GTTTTGATTGTCCAGAATTCTGTGGTTCTTTGTTAATTAGACAACATAAGCACCATATTA[GA>G]ATTTTTTGGCTTTCATCTACAAAAAGGAAAACTTAATAAGTTTTATCAAGCAGAAAAAAT-3'